The following is an entry in ClinVar:

ClinVar aggregate classification (germline): Uncertain significance (1 of 4 stars; one submission).

gnomAD v4.1: 33 of 1,209,521 alleles (0.0027%); highest among the groups gnomAD compares: South Asian, 0.0035%; no homozygotes.

Submission:

Women's Health and Genetics/Laboratory Corporation of America, LabCorp
Classification: Uncertain significance. Last evaluated: 2025-05-09. Review status: criteria provided, single submitter. Criteria: LabCorp Variant Classification Summary - May 2015. Collection method: clinical testing. Allele origin: germline.
Comment: Variant summary: XK c.1070T>C (p.Ile357Thr) results in a non-conservative amino acid change in the encoded protein sequence. Algorithms developed to predict the effect of missense changes on protein structure and function are either unavailable or do not agree on the potential impact of this missense change. The variant allele was found at a frequency of 1.1e-05 in 183080 control chromosomes (gnomAD). The available data on variant occurrences in the general population are insufficient to allow any conclusion about variant significance. To our knowledge, no occurrence of c.1070T>C in individuals affected with McLeod Neuroacanthocytosis Syndrome and no experimental evidence demonstrating its impact on protein function have been reported. No submitters have cited clinical-significance assessments for this variant to ClinVar. Based on the evidence outlined above, the variant was classified as uncertain significance.

NM_021083.4(XK):c.1070T>C (p.Ile357Thr)

Gene: XK (X-linked Kx blood group antigen, Kell and VPS13A binding protein; plus strand). Cytogenetic location: Xp21.1.
Variant type: single nucleotide variant.
Coding change: c.1070T>C on transcript NM_021083.4 (MANE Select); coding-DNA position 1070, T replaced by C.
Protein change: p.Ile357Thr; replaces isoleucine 357 with threonine.
Molecular consequence: missense variant.
Genome position (GRCh38, 1-based): chrX:37,728,197, T>C. VCF-style: chrX-37728197-T-C. GRCh37 (hg19) VCF-style: chrX-37587450-T-C.
Other names: short protein forms I357T.
Identifiers: ClinVar variation 3902356 (VCV003902356.1).
Genomic context (GRCh38, chrX:37,728,197, plus strand): 5'-TTTTCAAGACTGACATCTATATGTATGTGTGCGCACCTCTGTTGGTCCTGCAGCTGCTCA[T>C]TGGGTACTGCACAGCCATTCTCTTCATGCTTGTATTCTATCAGTTCTTCCACCCTTGCAA-3'
Protein context (NP_066569.1, residues 347-367): CAPLLVLQLL[Ile357Thr]GYCTAILFML